The following is an entry in ClinVar:

NM_030819.4(GFOD2):c.641T>C (p.Ile214Thr)

Gene: GFOD2 (Gfo/Idh/MocA-like oxidoreductase domain containing 2; minus strand). Cytogenetic location: 16q22.1.
Variant type: single nucleotide variant.
Coding change: c.641T>C on transcript NM_030819.4 (MANE Select); coding-DNA position 641, T replaced by C.
Protein change: p.Ile214Thr; replaces isoleucine 214 with threonine.
Molecular consequence: missense variant. On other transcripts: non-coding transcript variant (1).
Genome position (GRCh38, 1-based): chr16:67,675,672, A>G on the plus strand (T>C on the coding strand, the complement: GFOD2 is on the minus strand). VCF-style: chr16-67675672-A-G. GRCh37 (hg19) VCF-style: chr16-67709575-A-G.
Other names: short protein forms I214T.
Identifiers: ClinVar variation 5022412 (VCV005022412.1).

ClinVar aggregate classification (germline): Uncertain significance (1 of 4 stars; one submission).

gnomAD v4.1: 29 of 1,613,732 alleles (0.0018%); highest among the groups gnomAD compares: Non-Finnish European, 0.0024%; no homozygotes.

Submission:

Ambry Genetics
Classification: Uncertain significance. Last evaluated: 2026-07-14. Review status: criteria provided, single submitter. Criteria: Ambry Variant Classification Scheme 2023. Collection method: clinical testing. Allele origin: germline.
Comment: The c.641T>C (p.I214T) alteration is located in exon 3 (coding exon 2) of the GFOD2 gene. This alteration results from a T to C substitution at nucleotide position 641, causing the isoleucine (I) at amino acid position 214 to be replaced by a threonine (T). Based on data from gnomAD, the C allele has an overall frequency of <0.001% (1/251012) total alleles studied. The highest observed frequency was 0.001% (1/113680) of European (non-Finnish) alleles. Based on insufficient or conflicting evidence, the clinical significance of this alteration remains unclear.